The following is an entry in ClinVar:

NM_015202.5(KATNIP):c.2283C>T (p.Gly761=)

Gene: KATNIP (katanin interacting protein; plus strand). Cytogenetic location: 16p12.1.
Variant type: single nucleotide variant.
Coding change: c.2283C>T on transcript NM_015202.5 (MANE Select); coding-DNA position 2283, C replaced by T.
Protein change: p.Gly761=; no amino-acid change (glycine 761 retained).
Molecular consequence: synonymous variant.
Genome position (GRCh38, 1-based): chr16:27,740,580, C>T. VCF-style: chr16-27740580-C-T. GRCh37 (hg19) VCF-style: chr16-27751901-C-T.
Identifiers: ClinVar variation 2016241 (VCV002016241.4), dbSNP rs2143550753, ClinGen allele CA494472957.

ClinVar aggregate classification (germline): Uncertain significance (1 of 4 stars; one submission).

Submission:

Labcorp Genetics (formerly Invitae), Labcorp
Classification: Uncertain significance. Last evaluated: 2022-07-25. Review status: criteria provided, single submitter. Criteria: Invitae Variant Classification Sherloc (09022015). Collection method: clinical testing. Allele origin: germline.
Comment: This variant has not been reported in the literature in individuals affected with KIAA0556-related conditions. Algorithms developed to predict the effect of sequence changes on RNA splicing suggest that this variant may create or strengthen a splice site. This variant is not present in population databases (gnomAD no frequency). This sequence change affects codon 761 of the KIAA0556 mRNA. It is a 'silent' change, meaning that it does not change the encoded amino acid sequence of the KIAA0556 protein. In summary, the available evidence is currently insufficient to determine the role of this variant in disease. Therefore, it has been classified as a Variant of Uncertain Significance.